The following is an entry in ClinVar:

NM_003466.4(PAX8):c.*627T>A

Gene: PAX8 (paired box 8; minus strand). Cytogenetic location: 2q14.1.
Variant type: single nucleotide variant.
Coding change: c.*627T>A on transcript NM_003466.4 (MANE Select); 627 bases downstream of the stop codon, T replaced by A.
Molecular consequence: 3 prime UTR variant.
Genome position (GRCh38, 1-based): chr2:113,217,906, A>T on the plus strand (T>A on the coding strand, the complement: PAX8 is on the minus strand). VCF-style: chr2-113217906-A-T. GRCh37 (hg19) VCF-style: chr2-113975483-A-T.
Other names: c.*704T>A (NM_013952.4, NM_013953.4, NM_013992.4).
Identifiers: ClinVar variation 330878 (VCV000330878.5), dbSNP rs111411733, ClinGen allele CA10611066.

ClinVar aggregate classification (germline): Likely benign (1 of 4 stars; one submission).

Conditions:
Hypothyroidism, congenital, nongoitrous, 2 (CHNG2). Also called: Hypothyroidism, congenital, due to thyroid dysgenesis or hypoplasia. Identifiers: Orphanet 95712, MedGen C1869118, MONDO:0024264, OMIM 218700.

Allele frequency attached by ClinVar (database versions not stated): gnomAD exomes 0.00381; gnomAD 0.01810 and 0.01952; 1000 Genomes Project 30x 0.01952; 1000 Genomes Project 0.01957; TOPMed 0.02024.
gnomAD v4.1: 3,062 of 233,252 alleles (1.3%); highest among the groups gnomAD compares: African/African-American, 6.2%; 116 homozygotes.

Submission:

Illumina Laboratory Services, Illumina
Classification: Likely benign for Hypothyroidism, congenital, nongoitrous, 2. Last evaluated: 2018-01-13. Review status: criteria provided, single submitter. Criteria: ICSL Variant Classification Criteria 13 December 2019. Collection method: clinical testing. Allele origin: germline.
Comment: This variant was observed in the ICSL laboratory as part of a predisposition screen in an ostensibly healthy population. It had not been previously curated by ICSL or reported in the Human Gene Mutation Database (HGMD: prior to June 1st, 2018), and was therefore a candidate for classification through an automated scoring system. Utilizing variant allele frequency, disease prevalence and penetrance estimates, and inheritance mode, an automated score was calculated to assess if this variant is too frequent to cause the disease. Based on the score and internal cut-off values, a variant classified as likely benign is not then subjected to further curation. The score for this variant resulted in a classification of likely benign for this disease.